The following is an entry in ClinVar:

ClinVar aggregate classification (germline): Uncertain significance. Review status: reviewed by expert panel (3 of 4 stars). 3 submissions from 3 submitters: Uncertain significance (1). 2 of the submissions do not count toward it. Last evaluated 2025-06-25.

Conditions:
Developmental and epileptic encephalopathy, 2 (DEE2). Also called: INFANTILE SPASM SYNDROME, X-LINKED 2; CDKL5 deficiency disorder. Identifiers: Orphanet 1934, Orphanet 3451, Orphanet 505652, MedGen C4750718, MONDO:0010396, OMIM 300672.
Angelman syndrome-like. Identifiers: MedGen CN128785.
CDKL5 disorder. Identifiers: MedGen CN296942, MONDO:0100039.

Submissions (3):

ClinGen Rett and Angelman-like Disorders Variant Curation Expert Panel
Classification: Uncertain significance for CDKL5 disorder. Last evaluated: 2025-06-25. Review status: reviewed by expert panel. Criteria: ClinGen RettAS ACMG Specifications CDKL5 V4.1.0. Collection method: curation. Allele origin: germline. Inheritance: X-linked inheritance.
Comment: The p.Glu203Asp variant in CDKL5 is absent from gnomAD v4.1 (PM2_Supporting). The p.Glu203Asp variant in CDKL5 has been reported as a de novo occurrence (biological parentage unconfirmed) in an individual with CDKL5 disorder (PMID 19362436) (PM6). A pathogenic missense variant (p.Glu203Gly) has been previously identified within this codon which indicates that this residue is critical to the function of the protein (ClinVar, internal database - Labcorp Genetics) (PM5). Computational prediction analysis tools are inconclusive for this variant. In summary, the p.Glu203Asp variant in CDKL5 is classified as VUS based on the ACMG/AMP criteria (PM2_Supporting, PM6, PM5). (CDKL5 Specifications v.4.1; curation approved on 06/25/2025)

Centre for Population Genomics, CPG
Classification: Uncertain significance for CDKL5 disorder. Last evaluated: 2024-09-06. Review status: criteria provided, single submitter. Criteria: McKnight et al. (Hum Mutat. 2022). Collection method: curation. Allele origin: germline. Inheritance: X-linked inheritance. Not counted in ClinVar's aggregate classification.
Comment: This variant has been collected from RettBASE and curated to current modified ACMG/AMP criteria. Based on the classification scheme defined by the ClinGen Rett/Angelman-like Expert Panel for Rett/AS-like Disorders Specifications to the ACMG/AMP Variant Interpretation Guidelines VCEP 3.0, this variant is classified as variant of uncertain significance. At least the following criteria are met: This variant has been identified as a de novo occurrence in an individual with CDKL5 disorder without confirmation of paternity and maternity (PM6, PMID: 19362436). This variant is absent from gnomAD (PM2_Supporting).

Labcorp Genetics (formerly Invitae), Labcorp
Classification: Pathogenic for Developmental and epileptic encephalopathy, 2; Angelman syndrome-like. Last evaluated: 2023-11-03. Review status: criteria provided, single submitter. Criteria: Invitae Variant Classification Sherloc (09022015). Collection method: clinical testing. Allele origin: germline. Not counted in ClinVar's aggregate classification.
Comment: This sequence change replaces glutamic acid, which is acidic and polar, with aspartic acid, which is acidic and polar, at codon 203 of the CDKL5 protein (p.Glu203Asp). This variant is not present in population databases (gnomAD no frequency). This missense change has been observed in individual(s) with clinical features of CDKL5-related condition (PMID: 19362436). In at least one individual the variant was observed to be de novo. Advanced modeling of protein sequence and biophysical properties (such as structural, functional, and spatial information, amino acid conservation, physicochemical variation, residue mobility, and thermodynamic stability) performed at Invitae indicates that this missense variant is expected to disrupt CDKL5 protein function with a positive predictive value of 95%. This variant disrupts the p.Glu203 amino acid residue in CDKL5. Other variant(s) that disrupt this residue have been determined to be pathogenic (Invitae). This suggests that this residue is clinically significant, and that variants that disrupt this residue are likely to be disease-causing. For these reasons, this variant has been classified as Pathogenic.

Literature cited by the submitters: PubMed 19362436 (cited by Labcorp Genetics (formerly Invitae), Labcorp).

NM_001323289.2(CDKL5):c.609G>C (p.Glu203Asp)

Gene: CDKL5 (cyclin dependent kinase like 5; plus strand). Cytogenetic location: Xp22.13.
Variant type: single nucleotide variant.
Coding change: c.609G>C on transcript NM_001323289.2 (MANE Select); coding-DNA position 609, G replaced by C.
Protein change: p.Glu203Asp; replaces glutamic acid 203 with aspartic acid.
Molecular consequence: missense variant.
Genome position (GRCh38, 1-based): chrX:18,588,008, G>C. VCF-style: chrX-18588008-G-C. GRCh37 (hg19) VCF-style: chrX-18606128-G-C.
Other names: NM_001323289.2(CDKL5):c.609G>C; p.Glu203Asp; c.609G>C, p.Glu203Asp (NM_001037343.2, NM_003159.3); short protein forms E203D.
Identifiers: ClinVar variation 2925658 (VCV002925658.5), dbSNP rs2518857363, ClinGen allele CA412353244.